The following is an entry in ClinVar:

NC_000016.10:g.(?_56328611)_(56343970_?)dup

Gene: GNAO1 (G protein subunit alpha o1; plus strand). Cytogenetic location: 16q12.2.
Variant type: Duplication.
Identifiers: ClinVar variation 831494 (VCV000831494.9).

ClinVar aggregate classification (germline): Pathogenic (1 of 4 stars; one submission).

Conditions:
Developmental and epileptic encephalopathy. Identifiers: MedGen C5779964, MONDO:0100620.

Submission:

Labcorp Genetics (formerly Invitae), Labcorp
Classification: Pathogenic for Early-infantile DEE. Last evaluated: 2022-06-17. Review status: criteria provided, single submitter. Criteria: Invitae Variant Classification Sherloc (09022015). Collection method: clinical testing. Allele origin: germline.
Comment: For these reasons, this variant has been classified as Pathogenic. Experimental studies and prediction algorithms are not available or were not evaluated, and the functional significance of this variant is currently unknown. A similar copy number variant has been observed in individual(s) with clinical features of NEDIM (Invitae). In at least one individual the variant was observed to be de novo. This variant results in a copy number gain of the genomic region encompassing exon(s) 4-6 of the GNAO1 gene. While the exact position of this variant cannot be determined from the data, sub-genic copy number gains are generally in tandem (PMID: 25640679). This variant is predicted to be in-frame, and likely preserves the integrity of the reading frame.

Literature cited by the submitters: PubMed 25640679.